The following is an entry in ClinVar:

ClinVar aggregate classification (germline): Uncertain significance (0 of 4 stars; one submission).

Conditions:
ALMS1-related disorder. Also called: ALMS1-related condition.

Submission:

PreventionGenetics, part of Exact Sciences
Classification: Uncertain significance for ALMS1-related condition. Last evaluated: 2024-06-08. Review status: no assertion criteria provided. Collection method: clinical testing. Allele origin: germline.
Comment: The ALMS1 c.11851A>G variant is predicted to result in the amino acid substitution p.Lys3951Glu. To our knowledge, this variant has not been reported in the literature. This variant is reported in 0.0023% of alleles in individuals of European (Non-Finnish) descent in gnomAD. At this time, the clinical significance of this variant is uncertain due to the absence of conclusive functional and genetic evidence.

NM_001378454.1(ALMS1):c.11848A>G (p.Lys3950Glu)

Gene: ALMS1 (ALMS1 centrosome and basal body associated protein; plus strand). Cytogenetic location: 2p13.1.
Variant type: single nucleotide variant.
Coding change: c.11848A>G on transcript NM_001378454.1 (MANE Select); coding-DNA position 11848, A replaced by G.
Protein change: p.Lys3950Glu; replaces lysine 3950 with glutamic acid.
Molecular consequence: missense variant.
Genome position (GRCh38, 1-based): chr2:73,600,857, A>G. VCF-style: chr2-73600857-A-G. GRCh37 (hg19) VCF-style: chr2-73827984-A-G.
Other names: c.11851A>G, p.Lys3951Glu (NM_015120.4); short protein forms K3950E, K3951E.
Identifiers: ClinVar variation 3358158 (VCV003358158.1).